The following is an entry in ClinVar:

NM_001244008.2(KIF1A):c.3668C>T (p.Thr1223Met)

Gene: KIF1A (kinesin family member 1A; minus strand). Cytogenetic location: 2q37.3.
Variant type: single nucleotide variant.
Coding change: c.3668C>T on transcript NM_001244008.2 (MANE Select); coding-DNA position 3668, C replaced by T.
Protein change: p.Thr1223Met; replaces threonine 1223 with methionine.
Molecular consequence: missense variant.
Genome position (GRCh38, 1-based): chr2:240,741,350, G>A on the plus strand (C>T on the coding strand, the complement: KIF1A is on the minus strand). VCF-style: chr2-240741350-G-A. GRCh37 (hg19) VCF-style: chr2-241680767-G-A.
Other names: p.Thr1122Met; c.3392C>T, p.Thr1131Met (NM_001320705.2, NM_001330289.2, NM_001379638.1); c.3467C>T, p.Thr1156Met (NM_001330290.2, NM_001379634.1, NM_001379635.1 and 1 more transcripts); c.3743C>T, p.Thr1248Met (NM_001379631.1); c.3617C>T, p.Thr1206Met (NM_001379632.1); c.3641C>T, p.Thr1214Met (NM_001379633.1, NM_001379642.1, NM_001379645.1); c.3365C>T, p.Thr1122Met (NM_001379636.1, NM_001379639.1, NM_001379641.1 and 5 more transcripts); c.3440C>T, p.Thr1147Met (NM_001379637.1, NM_001379648.1); and 2 more; short protein forms T1122M, T1223M, T1131M, T1156M, T1121M, T1147M, T1206M, T1214M.
Identifiers: ClinVar variation 208649 (VCV000208649.40), dbSNP rs374873057, ClinGen allele CA204602.

ClinVar aggregate classification (germline): Conflicting classifications of pathogenicity. Review status: criteria provided, conflicting classifications (1 of 4 stars). 10 submissions from 10 submitters: Uncertain significance (8); Likely benign (1). 1 of the submissions does not count toward it. Last evaluated 2026-08-01.

Conditions:
Neuropathy, hereditary sensory, type 2C. Also called: Hereditary sensory and autonomic neuropathy type IIC; KIF1A-Related HSAN2 (HSAN2C). Identifiers: Orphanet 970, MedGen C3280168, MONDO:0013634, OMIM 614213.
Intellectual disability, autosomal dominant 9 (NESCAVS). Also called: NESCAV SYNDROME; KIF1A-Related Neurodevelopmental Disorder. Identifiers: Orphanet 662367, MedGen C5393830, MONDO:0013656, OMIM 614255.
Hereditary spastic paraplegia 30. Identifiers: Orphanet 101010, MedGen C5235139, MONDO:0012476.
Inborn genetic diseases. Identifiers: MedGen C0950123, MeSH D030342.
Hereditary spastic paraplegia. Also called: Familial spastic paraparesis. Identifiers: Orphanet 685, MedGen C0037773, MONDO:0019064. Disease mechanism: loss of function.
Intellectual disability. Also called: Intellectual functioning disability; Intellectual developmental disorder; intellectual disabilities. Identifiers: MedGen C3714756, MeSH D008607, MONDO:0001071, HP:0001249.

Allele frequency attached by ClinVar (database versions not stated): ESP Exome Variant Server 0.00008; gnomAD 0.00020 and 0.00021; gnomAD exomes 0.00020 and 0.00022; ExAC 0.00024; TOPMed 0.00025.
gnomAD v4.1: 312 of 1,586,628 alleles (0.02%); highest among the groups gnomAD compares: Middle Eastern, 0.05%; no homozygotes.

Submissions (10):

CeGaT Center for Human Genetics Tuebingen
Classification: Uncertain significance. Last evaluated: 2026-08-01. Review status: criteria provided, single submitter. Criteria: CeGaT Center For Human Genetics Tuebingen Variant Classification Criteria Version 2. Collection method: clinical testing. Allele origin: germline. Affected: yes. Observed: 2 variant alleles.
Comment: KIF1A: PM2, BP4

Labcorp Genetics (formerly Invitae), Labcorp
Classification: Likely benign for Hereditary spastic paraplegia 30; Neuropathy, hereditary sensory, type 2C; Intellectual disability, autosomal dominant 9. Last evaluated: 2026-02-03. Review status: criteria provided, single submitter. Criteria: Invitae Variant Classification Sherloc (09022015). Collection method: clinical testing. Allele origin: germline.

Mayo Clinic Laboratories, Mayo Clinic
Classification: Uncertain significance. Last evaluated: 2025-02-06. Review status: criteria provided, single submitter. Criteria: ACMG Guidelines, 2015. Collection method: clinical testing. Allele origin: germline. Observed: 1 variant allele.
Comment: BP4

GeneDx
Classification: Uncertain significance. Last evaluated: 2024-10-01. Review status: criteria provided, single submitter. Criteria: GeneDx Variant Classification Process June 2021. Collection method: clinical testing. Allele origin: germline. Affected: yes.
Comment: Reported previously, using alternate nomenclature, in a patient with HSP; however, no further clinical or segregation information was provided (PMID: 29691679); In silico analysis supports that this missense variant has a deleterious effect on protein structure/function; This variant is associated with the following publications: (PMID: 29691679)

Women's Health and Genetics/Laboratory Corporation of America, LabCorp
Classification: Uncertain significance. Last evaluated: 2023-07-06. Review status: criteria provided, single submitter. Criteria: LabCorp Variant Classification Summary - May 2015. Collection method: clinical testing. Allele origin: germline.
Comment: Variant summary: KIF1A c.3365C>T (p.Thr1122Met) results in a non-conservative amino acid change in the encoded protein sequence. Three of five in-silico tools predict a benign effect of the variant on protein function. The variant allele was found at a frequency of 0.00022 in 205930 control chromosomes in the gnomAD database, including 1 homozygotes. c.3365C>T has been reported in the literature in an individual affected with Hereditary Spastic Paraplegia and the variant was inherited from an asymptomatic parent (example: Travaglini_2018). This report does not provide unequivocal conclusions about association of the variant with NESCAV Syndrome. To our knowledge, no experimental evidence demonstrating an impact on protein function has been reported. The following publication has been ascertained in the context of this evaluation (PMID: 29691679). Eight submitters have cited clinical-significance assessments for this variant to ClinVar after 2014 and classified the variant as likely benign (n=1) and VUS (n=7). Based on the evidence outlined above, the variant was classified as uncertain significance.

Athena Diagnostics
Classification: Uncertain significance. Last evaluated: 2022-03-18. Review status: criteria provided, single submitter. Criteria: Athena Diagnostics Criteria. Collection method: clinical testing. Allele origin: unknown.

Genome Diagnostics Laboratory, The Hospital for Sick Children
Classification: Uncertain significance for Hereditary spastic paraplegia. Last evaluated: 2020-05-01. Review status: criteria provided, single submitter. Criteria: ACMG Guidelines, 2015. Collection method: clinical testing. Allele origin: germline. Affected: yes.

Ambry Genetics
Classification: Uncertain significance for Inborn genetic diseases. Last evaluated: 2019-09-29. Review status: criteria provided, single submitter. Criteria: Ambry Variant Classification Scheme 2023. Collection method: clinical testing. Allele origin: germline.
Comment: The p.T1122M variant (also known as c.3365C>T), located in coding exon 32 of the KIF1A gene, results from a C to T substitution at nucleotide position 3365. The threonine at codon 1122 is replaced by methionine, an amino acid with similar properties. This amino acid position is not well conserved in available vertebrate species. In addition, this alteration is predicted to be tolerated by in silico analysis. Since supporting evidence is limited at this time, the clinical significance of this alteration remains unclear.

Genetic Services Laboratory, University of Chicago
Classification: Uncertain significance. Last evaluated: 2016-08-26. Review status: criteria provided, single submitter. Criteria: ACMG Guidelines, 2015. Collection method: clinical testing. Allele origin: germline. Affected: no.

Centre de Biologie Pathologie Génétique, Centre Hospitalier Universitaire de Lille
Classification: Uncertain significance for Intellectual disability. Last evaluated: 2019-01-01. Review status: no assertion criteria provided. Collection method: clinical testing. Allele origin: unknown. Affected: yes. Not counted in ClinVar's aggregate classification.

Literature cited by the submitters: PubMed 29691679 (cited by Women's Health and Genetics/Laboratory Corporation of America, LabCorp).